The following is an entry in ClinVar:

NM_000440.3(PDE6A):c.778C>T (p.His260Tyr)

Gene: PDE6A (phosphodiesterase 6A; minus strand). Cytogenetic location: 5q32.
Variant type: single nucleotide variant.
Coding change: c.778C>T on transcript NM_000440.3 (MANE Select); coding-DNA position 778, C replaced by T.
Protein change: p.His260Tyr; replaces histidine 260 with tyrosine.
Molecular consequence: missense variant.
Genome position (GRCh38, 1-based): chr5:149,931,108, G>A on the plus strand (C>T on the coding strand, the complement: PDE6A is on the minus strand). VCF-style: chr5-149931108-G-A. GRCh37 (hg19) VCF-style: chr5-149310671-G-A.
Other names: c.535C>T, p.His179Tyr (NM_001410788.1); short protein forms H260Y, H179Y.
Identifiers: ClinVar variation 2701562 (VCV002701562.1), dbSNP rs2480676256, ClinGen allele CA361696546.

ClinVar aggregate classification (germline): Uncertain significance (1 of 4 stars; one submission).

Submission:

Labcorp Genetics (formerly Invitae), Labcorp
Classification: Uncertain significance. Last evaluated: 2023-12-30. Review status: criteria provided, single submitter. Criteria: Invitae Variant Classification Sherloc (09022015). Collection method: clinical testing. Allele origin: germline.
Comment: This sequence change replaces histidine, which is basic and polar, with tyrosine, which is neutral and polar, at codon 260 of the PDE6A protein (p.His260Tyr). This variant is not present in population databases (gnomAD no frequency). This variant has not been reported in the literature in individuals affected with PDE6A-related conditions. Advanced modeling of protein sequence and biophysical properties (such as structural, functional, and spatial information, amino acid conservation, physicochemical variation, residue mobility, and thermodynamic stability) has been performed at Invitae for this missense variant, however the output from this modeling did not meet the statistical confidence thresholds required to predict the impact of this variant on PDE6A protein function. In summary, the available evidence is currently insufficient to determine the role of this variant in disease. Therefore, it has been classified as a Variant of Uncertain Significance.